The following is an entry in ClinVar:

NM_001384732.1(CPLANE1):c.4502A>C (p.Glu1501Ala)

Gene: CPLANE1 (ciliogenesis and planar polarity effector complex subunit 1; minus strand). Cytogenetic location: 5p13.2.
Variant type: single nucleotide variant.
Coding change: c.4502A>C on transcript NM_001384732.1 (MANE Select); coding-DNA position 4502, A replaced by C.
Protein change: p.Glu1501Ala; replaces glutamic acid 1501 with alanine.
Molecular consequence: missense variant.
Genome position (GRCh38, 1-based): chr5:37,183,679, T>G on the plus strand (A>C on the coding strand, the complement: CPLANE1 is on the minus strand). VCF-style: chr5-37183679-T-G. GRCh37 (hg19) VCF-style: chr5-37183781-T-G.
Other names: c.4502A>C, p.Glu1501Ala (NM_023073.4); short protein forms E1501A.
Identifiers: ClinVar variation 1478862 (VCV001478862.8), dbSNP rs2151158721, ClinGen allele CA359498413.

ClinVar aggregate classification (germline): Uncertain significance (1 of 4 stars; one submission).

Submission:

Labcorp Genetics (formerly Invitae), Labcorp
Classification: Uncertain significance. Last evaluated: 2021-04-19. Review status: criteria provided, single submitter. Criteria: Invitae Variant Classification Sherloc (09022015). Collection method: clinical testing. Allele origin: germline.
Comment: In summary, the available evidence is currently insufficient to determine the role of this variant in disease. Therefore, it has been classified as a Variant of Uncertain Significance. Advanced modeling of protein sequence and biophysical properties (such as structural, functional, and spatial information, amino acid conservation, physicochemical variation, residue mobility, and thermodynamic stability) performed at Invitae indicates that this missense variant is not expected to disrupt CPLANE1 protein function. This variant has not been reported in the literature in individuals with CPLANE1-related conditions. This variant is not present in population databases (ExAC no frequency). This sequence change replaces glutamic acid with alanine at codon 1501 of the CPLANE1 protein (p.Glu1501Ala). The glutamic acid residue is moderately conserved and there is a moderate physicochemical difference between glutamic acid and alanine.